The following is an entry in ClinVar:

NC_000017.11:g.32003153C>T

Gene: SUZ12 (SUZ12 polycomb repressive complex 2 subunit; plus strand). Cytogenetic location: 17q11.2.
Variant type: single nucleotide variant.
Genome position: GRCh38 VCF-style: chr17-32003153-C-T. GRCh37 (hg19) VCF-style: chr17-30330172-C-T.
Identifiers: ClinVar variation 2647651 (VCV002647651.24), dbSNP rs542981722, ClinGen allele CA289430683.

ClinVar aggregate classification (germline): Benign (1 of 4 stars; one submission).

Allele frequency attached by ClinVar (database versions not stated): 1000 Genomes Project 0.00040; 1000 Genomes Project 30x 0.00062; TOPMed 0.00085.

Submission:

CeGaT Center for Human Genetics Tuebingen
Classification: Benign. Last evaluated: 2022-10-01. Review status: criteria provided, single submitter. Criteria: CeGaT Center For Human Genetics Tuebingen Variant Classification Criteria Version 2. Collection method: clinical testing. Allele origin: germline. Affected: yes. Observed: 2 variant alleles.
Comment: SUZ12: BS1, BS2